The following is an entry in ClinVar:

NM_017791.3(FLVCR2):c.645C>A (p.Cys215Ter)

Gene: FLVCR2 (FLVCR choline and putative heme transporter 2; plus strand). Cytogenetic location: 14q24.3.
Variant type: single nucleotide variant.
Coding change: c.645C>A on transcript NM_017791.3 (MANE Select); coding-DNA position 645, C replaced by A.
Protein change: p.Cys215Ter; replaces cysteine 215 with a stop codon.
Molecular consequence: nonsense.
Genome position (GRCh38, 1-based): chr14:75,579,617, C>A. VCF-style: chr14-75579617-C-A. GRCh37 (hg19) VCF-style: chr14-76045960-C-A.
Other names: short protein forms C215*.
Identifiers: ClinVar variation 4993219 (VCV004993219.1).

ClinVar aggregate classification (germline): Likely pathogenic (1 of 4 stars; one submission).

Conditions:
FLVCR2-related disorder. Also called: FLVCR2-related condition.

gnomAD v4.1: 1 of 1,614,136 alleles (0.000062%); highest among the groups gnomAD compares: Non-Finnish European, 0.000085%; no homozygotes.

Submission:

PreventionGenetics, part of Exact Sciences
Classification: Likely pathogenic for FLVCR2-related condition. Last evaluated: 2026-01-08. Review status: criteria provided, single submitter. Criteria: ACMG Guidelines, 2015. Collection method: clinical testing. Allele origin: germline.
Comment: The FLVCR2 c.645C>A variant is predicted to result in premature protein termination (p.Cys215*). To our knowledge, this variant has not been reported in the literature or in a large population database (gnomAD), indicating this variant is rare. Nonsense variants in FLVCR2 are expected to be pathogenic. This variant is interpreted as likely pathogenic.